The following is an entry in ClinVar:

NM_012431.3(SEMA3E):c.732A>G (p.Val244=)

Gene: SEMA3E (semaphorin 3E; minus strand). Cytogenetic location: 7q21.11.
Variant type: single nucleotide variant.
Coding change: c.732A>G on transcript NM_012431.3 (MANE Select); coding-DNA position 732, A replaced by G.
Protein change: p.Val244=; no amino-acid change (valine 244 retained).
Molecular consequence: synonymous variant.
Genome position (GRCh38, 1-based): chr7:83,407,178, T>C on the plus strand (A>G on the coding strand, the complement: SEMA3E is on the minus strand). VCF-style: chr7-83407178-T-C. GRCh37 (hg19) VCF-style: chr7-83036494-T-C.
Other names: c.732A>G (NM_012431.2); c.552A>G, p.Val184= (NM_001178129.2).
Identifiers: ClinVar variation 2152838 (VCV002152838.5), dbSNP rs747116916, ClinGen allele CA4322229.

ClinVar aggregate classification (germline): Likely benign. Review status: criteria provided, single submitter (1 of 4 stars). 2 submissions from 2 submitters: Likely benign (1). 1 of the submissions does not count toward it. Last evaluated 2025-10-15.

Conditions:
SEMA3E-related disorder. Also called: SEMA3E-related condition.
CHARGE syndrome (CHARGE). Also called: Hittner Hirsch Kreh syndrome; CHARGE ASSOCIATION--COLOBOMA, HEART ANOMALY, CHOANAL ATRESIA, RETARDATION, GENITAL AND EAR ANOMALIES; Coloboma, heart anomaly, choanal atresia, retardation, genital and ear anomalies; CHARGE association; Hall-Hittner syndrome. Identifiers: Orphanet 138, MedGen C0265354, MONDO:0008965.

Allele frequency attached by ClinVar (database versions not stated): gnomAD exomes below 0.00001; ExAC 0.00001.
gnomAD v4.1: 7 of 1,613,434 alleles (0.00043%); highest among the groups gnomAD compares: South Asian, 0.0033%; no homozygotes.

Submissions (2):

Labcorp Genetics (formerly Invitae), Labcorp
Classification: Likely benign for CHARGE syndrome. Last evaluated: 2025-10-15. Review status: criteria provided, single submitter. Criteria: Invitae Variant Classification Sherloc (09022015). Collection method: clinical testing. Allele origin: germline.

PreventionGenetics, part of Exact Sciences
Classification: Likely benign for SEMA3E-related condition. Last evaluated: 2023-10-03. Review status: no assertion criteria provided. Collection method: clinical testing. Allele origin: germline. Not counted in ClinVar's aggregate classification.
Comment: This variant is classified as likely benign based on ACMG/AMP sequence variant interpretation guidelines (Richards et al. 2015 PMID: 25741868, with internal and published modifications).